The following is an entry in ClinVar:

NM_001376.5(DYNC1H1):c.10031G>A (p.Arg3344Gln)

Gene: DYNC1H1 (dynein cytoplasmic 1 heavy chain 1; plus strand). Cytogenetic location: 14q32.31.
Variant type: single nucleotide variant.
Coding change: c.10031G>A on transcript NM_001376.5 (MANE Select); coding-DNA position 10031, G replaced by A.
Protein change: p.Arg3344Gln; replaces arginine 3344 with glutamine.
Molecular consequence: missense variant.
Genome position (GRCh38, 1-based): chr14:102,032,419, G>A. VCF-style: chr14-102032419-G-A. GRCh37 (hg19) VCF-style: chr14-102498756-G-A.
Other names: short protein forms R3344Q.
Identifiers: ClinVar variation 55855 (VCV000055855.16), dbSNP rs397509412, ClinGen allele CA143961.

ClinVar aggregate classification (germline): Pathogenic. Review status: criteria provided, multiple submitters, no conflicts (2 of 4 stars). 7 submissions from 5 submitters: Pathogenic (4). 3 of the submissions do not count toward it. Last evaluated 2025-10-27.

Conditions:
Lissencephaly. Also called: Lissencephaly spectrum disorders. Identifiers: Orphanet 48471, MedGen C0266463, MeSH D054082, MONDO:0018838, HP:0001339.
Cortical dysplasia, complex, with other brain malformations 13. Also called: Intellectual disability, autosomal dominant 13. Identifiers: MedGen C3281202, MONDO:0013805, OMIM 614563.
Charcot-Marie-Tooth disease axonal type 2O. Also called: CHARCOT-MARIE-TOOTH NEUROPATHY, AXONAL, TYPE 2O; CHARCOT-MARIE-TOOTH DISEASE, AXONAL, AUTOSOMAL DOMINANT, TYPE 2O; Charcot-Marie-Tooth Neuropathy Type 2O; Charcot-Marie-Tooth disease, axonal, type 20. Identifiers: Orphanet 284232, MedGen C3280220, MONDO:0013644, OMIM 614228.
Intellectual disability. Also called: Intellectual functioning disability; intellectual disabilities; Intellectual developmental disorder. Identifiers: MedGen C3714756, MeSH D008607, MONDO:0001071, HP:0001249.

Submissions (7):

Labcorp Genetics (formerly Invitae), Labcorp
Classification: Pathogenic for Charcot-Marie-Tooth disease axonal type 2O. Last evaluated: 2025-10-27. Review status: criteria provided, single submitter. Criteria: Invitae Variant Classification Sherloc (09022015). Collection method: clinical testing. Allele origin: germline.
Comment: This sequence change replaces arginine, which is basic and polar, with glutamine, which is neutral and polar, at codon 3344 of the DYNC1H1 protein (p.Arg3344Gln). This variant is not present in population databases (gnomAD no frequency). This missense change has been observed in individual(s) with malformations of cortical development (PMID: 23603762). In at least one individual the variant was observed to be de novo. ClinVar contains an entry for this variant (Variation ID: 55855). Invitae Evidence Modeling of protein sequence and biophysical properties (such as structural, functional, and spatial information, amino acid conservation, physicochemical variation, residue mobility, and thermodynamic stability) has been performed for this missense variant. However, the output from this modeling did not meet the statistical confidence thresholds required to predict the impact of this variant on DYNC1H1 protein function. Experimental studies have shown that this missense change affects DYNC1H1 function (PMID: 28196890). For these reasons, this variant has been classified as Pathogenic.

Institute of Human Genetics, University of Leipzig Medical Center
Classification: Pathogenic for Cortical dysplasia, complex, with other brain malformations 13. Last evaluated: 2025-06-23. Review status: criteria provided, single submitter. Criteria: ACMG Guidelines, 2015. Collection method: clinical testing. Allele origin: unknown. Inheritance: Autosomal dominant inheritance. Affected: yes.

Institute of Human Genetics, University of Leipzig Medical Center
Classification: Pathogenic for Intellectual disability. Last evaluated: 2020-08-03. Review status: criteria provided, single submitter. Criteria: ACMG Guidelines, 2015. Collection method: clinical testing. Allele origin: unknown. Affected: yes.
Comment: The variant likely explains the NDD in this individual.

Institute of Human Genetics, University of Leipzig Medical Center
Classification: Pathogenic for Charcot-Marie-Tooth disease axonal type 2O. Last evaluated: 2019-01-01. Review status: criteria provided, single submitter. Criteria: ACMG Guidelines, 2015. Collection method: clinical testing. Allele origin: unknown. Affected: yes.

Inherited Neuropathy Consortium Ii, University Of Miami
Classification: Uncertain significance for Charcot-Marie-Tooth disease axonal type 2O. Last evaluated: 2016-01-06. Review status: no assertion criteria provided. Collection method: literature only. Allele origin: germline. Affected: yes. Not counted in ClinVar's aggregate classification.

OMIM
Classification: Pathogenic for CORTICAL DYSPLASIA, COMPLEX, WITH OTHER BRAIN MALFORMATIONS 13. Last evaluated: 2013-06-01. Review status: no assertion criteria provided. Collection method: literature only. Allele origin: germline. Not counted in ClinVar's aggregate classification.

University of Washington Center for Mendelian Genomics, University of Washington
Classification: Likely pathogenic for lissencephaly. Review status: no assertion criteria provided. Collection method: research. Allele origin: de novo. Affected: yes. Not counted in ClinVar's aggregate classification.

Literature cited by the submitters: PubMed 23603762 (cited by 3 submitters); PubMed 28196890 (cited by Labcorp Genetics (formerly Invitae), Labcorp); PubMed 29671837 (cited by University of Washington Center for Mendelian Genomics, University of Washington).